The following is an entry in ClinVar:

ClinVar aggregate classification (germline): Uncertain significance (1 of 4 stars; one submission).

Conditions:
Atrioventricular septal defect 5 (AVSD5). Identifiers: MedGen C3280939, MONDO:0013769, OMIM 614474.

Submission:

Labcorp Genetics (formerly Invitae), Labcorp
Classification: Uncertain significance for Atrioventricular septal defect 5. Last evaluated: 2025-12-02. Review status: criteria provided, single submitter. Criteria: Invitae Variant Classification Sherloc (09022015). Collection method: clinical testing. Allele origin: germline.
Comment: This sequence change replaces alanine, which is neutral and non-polar, with valine, which is neutral and non-polar, at codon 179 of the GATA6 protein (p.Ala179Val). This variant is not present in population databases (gnomAD no frequency). This variant has not been reported in the literature in individuals affected with GATA6-related conditions. Invitae Evidence Modeling of protein sequence and biophysical properties (such as structural, functional, and spatial information, amino acid conservation, physicochemical variation, residue mobility, and thermodynamic stability) indicates that this missense variant is not expected to disrupt GATA6 protein function with a negative predictive value of 80%. In summary, the available evidence is currently insufficient to determine the role of this variant in disease. Therefore, it has been classified as a Variant of Uncertain Significance.

NM_005257.6(GATA6):c.536C>T (p.Ala179Val)

Gene: GATA6 (GATA binding protein 6; plus strand). Cytogenetic location: 18q11.2.
Variant type: single nucleotide variant.
Coding change: c.536C>T on transcript NM_005257.6 (MANE Select); coding-DNA position 536, C replaced by T.
Protein change: p.Ala179Val; replaces alanine 179 with valine.
Molecular consequence: missense variant.
Genome position (GRCh38, 1-based): chr18:22,171,680, C>T. VCF-style: chr18-22171680-C-T. GRCh37 (hg19) VCF-style: chr18-19751641-C-T.
Other names: short protein forms A179V.
Identifiers: ClinVar variation 4777745 (VCV004777745.1).